The following is an entry in ClinVar:

NM_000091.5(COL4A3):c.3565G>T (p.Gly1189Ter)

Genes: COL4A3 (collagen type IV alpha 3 chain; plus strand), MFF-DT (MFF divergent transcript; minus strand). Cytogenetic location: 2q36.3.
Variant type: single nucleotide variant.
Coding change: c.3565G>T on transcript NM_000091.5 (MANE Select); coding-DNA position 3565, G replaced by T.
Protein change: p.Gly1189Ter; replaces glycine 1189 with a stop codon.
Molecular consequence: nonsense.
Genome position (GRCh38, 1-based): chr2:227,295,316, G>T. VCF-style: chr2-227295316-G-T. GRCh37 (hg19) VCF-style: chr2-228160032-G-T.
Other names: short protein forms G1189*.
Identifiers: ClinVar variation 983598 (VCV000983598.3), dbSNP rs2072983130, ClinGen allele CA350859421.

ClinVar aggregate classification (germline): Likely pathogenic (1 of 4 stars; one submission).

Conditions:
Autosomal recessive Alport syndrome (ATS2). Also called: ALPORT SYNDROME 2, AUTOSOMAL RECESSIVE; Alport syndrome type 2; COL4A4 Alport Syndrome and Thin Basement Membrane Nephropathy; COL4A3-Related Nephropathy. Identifiers: Orphanet 63, Orphanet 88919, MedGen C4746745, MONDO:0008762, OMIM 203780.

Submission:

Myriad Genetics, Inc.
Classification: Likely pathogenic for Autosomal recessive Alport syndrome. Last evaluated: 2019-05-30. Review status: criteria provided, single submitter. Criteria: Myriad Women's Health Autosomal Recessive and X-Linked Classification Criteria (2019). Collection method: clinical testing. Allele origin: unknown.
Comment: NM_000091.4(COL4A3):c.3565G>T(G1189*) is expected to be pathogenic in the context of COL4A3-related Alport syndrome. This variant is predicted to lead to an abnormal or absent protein product due to the creation of a premature termination codon in COL4A3, a gene where loss-of-function variants are known to be pathogenic. Please note: this variant was assessed in the context of healthy population screening.